The following is an entry in ClinVar:

NM_001395413.1(POR):c.1718dup (p.Tyr573Ter)

Gene: POR (cytochrome p450 oxidoreductase; plus strand). Cytogenetic location: 7q11.23.
Variant type: Duplication.
Coding change: c.1718dup on transcript NM_001395413.1 (MANE Select); coding-DNA position 1718, one base duplicated (A; older notation c.1718dupA).
Protein change: p.Tyr573Ter; replaces tyrosine 573 with a stop codon.
Molecular consequence: nonsense.
Genome position (GRCh38, 1-based): chr7:75,985,980, A duplicated. VCF-style (leftmost placement, unchanged base first): chr7-75985979-T-TA. GRCh37 (hg19) VCF-style: chr7-75615297-T-TA.
Other names: c.1718dup, p.Tyr573Ter (NM_001367562.3, NM_001382657.2, NM_001382658.3 and 1 more transcripts); c.1772dup, p.Tyr591Ter (NM_001382655.3); c.1568dup, p.Tyr523Ter (NM_001382662.3); c.1727dup (NM_000941.2); short protein forms Y591*, Y523*, Y573*.
Identifiers: ClinVar variation 3594771 (VCV003594771.2).
Genomic context (GRCh38, chr7:75,985,979, plus strand): 5'-GCAGGCAAGGAGGTGGGGGAGACGCTGCTGTACTACGGCTGCCGCCGCTCGGATGAGGAC[T>TA]ACCTGTACCGGGAGGAGCTGGCGCAGTTCCACAGGGACGGTGCGCTCACCCAGCTCAACG-3'

ClinVar aggregate classification (germline): Pathogenic. Review status: criteria provided, multiple submitters, no conflicts (2 of 4 stars). 2 submissions from 2 submitters: Pathogenic (2). Last evaluated 2025-10-05.

Conditions:
Congenital adrenal hyperplasia due to cytochrome P450 oxidoreductase deficiency. Also called: DISORDERED STEROIDOGENESIS DUE TO POR DEFICIENCY. Identifiers: Orphanet 95699, MedGen C1860042, MONDO:0013310, OMIM 613571.
Antley-Bixler syndrome with genital anomalies and disordered steroidogenesis (ABS1). Also called: POR Deficiency. Identifiers: Orphanet 63269, MedGen C3150099, MONDO:0008726, OMIM 201750.

Submissions (2):

Labcorp Genetics (formerly Invitae), Labcorp
Classification: Pathogenic for Congenital adrenal hyperplasia due to cytochrome P450 oxidoreductase deficiency. Last evaluated: 2025-10-05. Review status: criteria provided, single submitter. Criteria: Invitae Variant Classification Sherloc (09022015). Collection method: clinical testing. Allele origin: germline.
Comment: This sequence change creates a premature translational stop signal (p.Tyr576*) in the POR gene. It is expected to result in an absent or disrupted protein product. Loss-of-function variants in POR are known to be pathogenic (PMID: 14758361, 20732302, 21741353). This variant is present in population databases (no rsID available, gnomAD 0.03%). This premature translational stop signal has been observed in individual(s) with POR deficiency (PMID: 22162478). ClinVar contains an entry for this variant (Variation ID: 3594771). For these reasons, this variant has been classified as Pathogenic.

Fulgent Genetics
Classification: Pathogenic for Antley-Bixler syndrome with genital anomalies and disordered steroidogenesis; Congenital adrenal hyperplasia due to cytochrome P450 oxidoreductase deficiency. Last evaluated: 2024-05-22. Review status: criteria provided, single submitter. Criteria: ACMG Guidelines, 2015. Collection method: clinical testing. Allele origin: germline.

Literature cited by the submitters: PubMed 14758361 (cited by Labcorp Genetics (formerly Invitae), Labcorp); PubMed 20732302 (cited by Labcorp Genetics (formerly Invitae), Labcorp); PubMed 21741353 (cited by Labcorp Genetics (formerly Invitae), Labcorp); PubMed 22162478 (cited by Labcorp Genetics (formerly Invitae), Labcorp).